The following is an entry in ClinVar:

ClinVar aggregate classification (germline): Uncertain significance (1 of 4 stars; one submission).

Allele frequency attached by ClinVar (database versions not stated): gnomAD exomes below 0.00001.
gnomAD v4.1: 1 of 1,599,924 alleles (0.000063%); no homozygotes.

Submission:

GeneDx
Classification: Uncertain significance. Last evaluated: 2022-07-21. Review status: criteria provided, single submitter. Criteria: GeneDx Variant Classification Process June 2021. Collection method: clinical testing. Allele origin: germline. Affected: yes.
Comment: Not observed at significant frequency in large population cohorts (gnomAD); In silico analysis supports that this missense variant does not alter protein structure/function; Has not been previously published as pathogenic or benign to our knowledge

NM_001374353.1(GLI2):c.3044G>A (p.Ser1015Asn)

Gene: GLI2 (GLI family zinc finger 2; plus strand). Cytogenetic location: 2q14.2.
Variant type: single nucleotide variant.
Coding change: c.3044G>A on transcript NM_001374353.1 (MANE Select); coding-DNA position 3044, G replaced by A.
Protein change: p.Ser1015Asn; replaces serine 1015 with asparagine.
Molecular consequence: missense variant.
Genome position (GRCh38, 1-based): chr2:120,989,009, G>A. VCF-style: chr2-120989009-G-A. GRCh37 (hg19) VCF-style: chr2-121746585-G-A.
Other names: c.3095G>A, p.Ser1032Asn (NM_001371271.1, NM_005270.5); c.2669G>A, p.Ser890Asn (NM_001374354.1); short protein forms S1015N, S1032N, S890N.
Identifiers: ClinVar variation 2430780 (VCV002430780.1), dbSNP rs2467774420, ClinGen allele CA348171131.